The following is an entry in ClinVar:

NM_014797.3(ZBTB24):c.1033A>G (p.Thr345Ala)

Gene: ZBTB24 (zinc finger and BTB domain containing 24; minus strand). Cytogenetic location: 6q21.
Variant type: single nucleotide variant.
Coding change: c.1033A>G on transcript NM_014797.3 (MANE Select); coding-DNA position 1033, A replaced by G.
Protein change: p.Thr345Ala; replaces threonine 345 with alanine.
Molecular consequence: missense variant.
Genome position (GRCh38, 1-based): chr6:109,476,850, T>C on the plus strand (A>G on the coding strand, the complement: ZBTB24 is on the minus strand). VCF-style: chr6-109476850-T-C. GRCh37 (hg19) VCF-style: chr6-109798053-T-C.
Other names: short protein forms T345A.
Identifiers: ClinVar variation 1395550 (VCV001395550.8), dbSNP rs2115362083, ClinGen allele CA365204356.

ClinVar aggregate classification (germline): Uncertain significance (1 of 4 stars; one submission).

Conditions:
Immunodeficiency-centromeric instability-facial anomalies syndrome 2 (ICF2). Identifiers: Orphanet 2268, MedGen C3279748, MONDO:0013553, OMIM 614069.

Submission:

Labcorp Genetics (formerly Invitae), Labcorp
Classification: Uncertain significance for Immunodeficiency-centromeric instability-facial anomalies syndrome 2. Last evaluated: 2022-08-15. Review status: criteria provided, single submitter. Criteria: Invitae Variant Classification Sherloc (09022015). Collection method: clinical testing. Allele origin: germline.
Comment: This sequence change replaces threonine, which is neutral and polar, with alanine, which is neutral and non-polar, at codon 345 of the ZBTB24 protein (p.Thr345Ala). This variant is not present in population databases (gnomAD no frequency). This variant has not been reported in the literature in individuals affected with ZBTB24-related conditions. ClinVar contains an entry for this variant (Variation ID: 1395550). Algorithms developed to predict the effect of missense changes on protein structure and function are either unavailable or do not agree on the potential impact of this missense change (SIFT: "Not Available"; PolyPhen-2: "Possibly Damaging"; Align-GVGD: "Not Available"). In summary, the available evidence is currently insufficient to determine the role of this variant in disease. Therefore, it has been classified as a Variant of Uncertain Significance.